The following is an entry in ClinVar:

NC_000001.10:g.(?_103540154)_(103540356_?)dup

Gene: COL11A1 (collagen type XI alpha 1 chain; minus strand). Cytogenetic location: 1p21.1.
Variant type: Duplication.
Identifiers: ClinVar variation 2424281 (VCV002424281.4).

ClinVar aggregate classification (germline): Likely pathogenic (1 of 4 stars; one submission).

Submission:

Labcorp Genetics (formerly Invitae), Labcorp
Classification: Likely pathogenic. Last evaluated: 2022-07-16. Review status: criteria provided, single submitter. Criteria: Invitae Variant Classification Sherloc (09022015). Collection method: clinical testing. Allele origin: germline.
Comment: In summary, the currently available evidence indicates that the variant is pathogenic, but additional data are needed to prove that conclusively. Therefore, this variant has been classified as Likely Pathogenic. This variant has not been reported in the literature in individuals affected with COL11A1-related conditions. This variant results in a copy number gain of the genomic region encompassing exon(s) 4 of the COL11A1 gene. While the exact position of this variant cannot be determined from the data, sub-genic copy number gains are generally in tandem (PMID: 25640679). This variant is predicted to be out-of-frame, and may result in an absent or disrupted protein product. Loss-of-function variants in COL11A1 are known to be pathogenic (PMID: 20513134, 21035103, 23922384, 25240749, 32427345, 32756486).

Literature cited by the submitters: PubMed 25640679; PubMed 20513134; PubMed 21035103; PubMed 23922384; PubMed 25240749; PubMed 32427345; PubMed 32756486.